The following is an entry in ClinVar:

NM_025103.4(IFT74):c.79G>C (p.Gly27Arg)

Gene: IFT74 (intraflagellar transport 74; plus strand). Cytogenetic location: 9p21.2.
Variant type: single nucleotide variant.
Coding change: c.79G>C on transcript NM_025103.4 (MANE Select); coding-DNA position 79, G replaced by C.
Protein change: p.Gly27Arg; replaces glycine 27 with arginine.
Molecular consequence: missense variant.
Genome position (GRCh38, 1-based): chr9:26,962,046, G>C. VCF-style: chr9-26962046-G-C. GRCh37 (hg19) VCF-style: chr9-26962044-G-C.
Other names: c.79G>C, p.Gly27Arg (NM_001099222.3, NM_001099223.3, NM_001099224.3 and 1 more transcripts); short protein forms G27R.
Identifiers: ClinVar variation 2012243 (VCV002012243.4), dbSNP rs1325267056, ClinGen allele CA373120330.

ClinVar aggregate classification (germline): Uncertain significance (1 of 4 stars; one submission).

gnomAD v4.1: 2 of 1,614,154 alleles (0.00012%); highest among the groups gnomAD compares: South Asian, 0.0022%; no homozygotes.

Submission:

Labcorp Genetics (formerly Invitae), Labcorp
Classification: Uncertain significance. Last evaluated: 2022-06-29. Review status: criteria provided, single submitter. Criteria: Invitae Variant Classification Sherloc (09022015). Collection method: clinical testing. Allele origin: germline.
Comment: In summary, the available evidence is currently insufficient to determine the role of this variant in disease. Therefore, it has been classified as a Variant of Uncertain Significance. Algorithms developed to predict the effect of missense changes on protein structure and function are either unavailable or do not agree on the potential impact of this missense change (SIFT: "Deleterious"; PolyPhen-2: "Benign"; Align-GVGD: "Class C0"). This variant has not been reported in the literature in individuals affected with IFT74-related conditions. This variant is present in population databases (no rsID available, gnomAD 0.003%). This sequence change replaces glycine, which is neutral and non-polar, with arginine, which is basic and polar, at codon 27 of the IFT74 protein (p.Gly27Arg).